The following is an entry in ClinVar:

ClinVar aggregate classification (germline): Uncertain significance (1 of 4 stars; one submission).

Conditions:
Facioscapulohumeral muscular dystrophy 2 (FSHD2). Also called: MUSCULAR DYSTROPHY, FACIOSCAPULOHUMERAL, TYPE 1B; FACIOSCAPULOHUMERAL MUSCULAR DYSTROPHY 2, DIGENIC; FSHD2, DIGENIC. Identifiers: Orphanet 269, MedGen C1834671, MONDO:0008031, OMIM 158901.

Submission:

Labcorp Genetics (formerly Invitae), Labcorp
Classification: Uncertain significance for Facioscapulohumeral muscular dystrophy 2. Last evaluated: 2025-01-20. Review status: criteria provided, single submitter. Criteria: Invitae Variant Classification Sherloc (09022015). Collection method: clinical testing. Allele origin: germline.
Comment: This sequence change affects codon 447 of the SMCHD1 mRNA. It is a 'silent' change, meaning that it does not change the encoded amino acid sequence of the SMCHD1 protein. It affects a nucleotide within the consensus splice site. This variant is not present in population databases (gnomAD no frequency). This variant has not been reported in the literature in individuals affected with SMCHD1-related conditions. Algorithms developed to predict the effect of sequence changes on RNA splicing suggest that this variant is not likely to affect RNA splicing. In summary, the available evidence is currently insufficient to determine the role of this variant in disease. Therefore, it has been classified as a Variant of Uncertain Significance.

NM_015295.3(SMCHD1):c.1341A>G (p.Ser447=)

Gene: SMCHD1 (structural maintenance of chromosomes flexible hinge domain containing 1; plus strand). Cytogenetic location: 18p11.32.
Variant type: single nucleotide variant.
Coding change: c.1341A>G on transcript NM_015295.3 (MANE Select); coding-DNA position 1341, A replaced by G.
Protein change: p.Ser447=; no amino-acid change (serine 447 retained).
Molecular consequence: synonymous variant.
Genome position (GRCh38, 1-based): chr18:2,698,040, A>G. VCF-style: chr18-2698040-A-G. GRCh37 (hg19) VCF-style: chr18-2698038-A-G.
Identifiers: ClinVar variation 3666397 (VCV003666397.2).